The following is an entry in ClinVar:

NM_000038.6(APC):c.4088A>G (p.Lys1363Arg)

Gene: APC (APC regulator of Wnt signaling pathway; plus strand). Cytogenetic location: 5q22.2.
Variant type: single nucleotide variant.
Coding change: c.4088A>G on transcript NM_000038.6 (MANE Select); coding-DNA position 4088, A replaced by G.
Protein change: p.Lys1363Arg; replaces lysine 1363 with arginine.
Molecular consequence: missense variant.
Genome position (GRCh38, 1-based): chr5:112,839,682, A>G. VCF-style: chr5-112839682-A-G. GRCh37 (hg19) VCF-style: chr5-112175379-A-G.
Other names: c.4088A>G, p.Lys1363Arg (NM_001127510.3, NM_001354895.2); c.4034A>G, p.Lys1345Arg (NM_001127511.3); c.4142A>G, p.Lys1381Arg (NM_001354896.2); c.4118A>G, p.Lys1373Arg (NM_001354897.2); c.4013A>G, p.Lys1338Arg (NM_001354898.2); c.4004A>G, p.Lys1335Arg (NM_001354899.2); c.3965A>G, p.Lys1322Arg (NM_001354900.2); c.3911A>G, p.Lys1304Arg (NM_001354901.2); and 5 more; short protein forms K1345R, K1363R, K1272R, K1381R, K1080R, K1237R, K1262R, K1335R.
Identifiers: ClinVar variation 482274 (VCV000482274.32), dbSNP rs373607243, ClinGen allele CA16030284.

ClinVar aggregate classification (germline): Conflicting classifications of pathogenicity. Review status: criteria provided, conflicting classifications (1 of 4 stars). 9 submissions from 9 submitters: Uncertain significance (8); Likely benign (1). Last evaluated 2026-02-01.

Conditions:
Hereditary cancer-predisposing syndrome. Also called: Neoplastic Syndromes, Hereditary; Tumor predisposition; Hereditary Cancer Syndrome; Hereditary neoplastic syndrome. Identifiers: Orphanet 140162, MedGen C0027672, MeSH D009386, MONDO:0015356.
Familial adenomatous polyposis 1 (FAP1). Also called: FAMILIAL ADENOMATOUS POLYPOSIS 1, ATTENUATED; POLYPOSIS, ADENOMATOUS INTESTINAL. Identifiers: MedGen C2713442, MONDO:0021056, OMIM 175100. Disease mechanism: loss of function.
Classic or attenuated familial adenomatous polyposis. Identifiers: MedGen CN372698, MONDO:0021057.

Allele frequency attached by ClinVar (database versions not stated): TOPMed 0.00002; ESP Exome Variant Server 0.00008.
gnomAD v4.1: 9 of 1,613,992 alleles (0.00056%); highest among the groups gnomAD compares: Admixed American, 0.0017%; no homozygotes.

Submissions (9):

Labcorp Genetics (formerly Invitae), Labcorp
Classification: Uncertain significance for Familial adenomatous polyposis 1. Last evaluated: 2026-02-01. Review status: criteria provided, single submitter. Criteria: Invitae Variant Classification Sherloc (09022015). Collection method: clinical testing. Allele origin: germline.
Comment: This sequence change replaces lysine, which is basic and polar, with arginine, which is basic and polar, at codon 1363 of the APC protein (p.Lys1363Arg). This variant is not present in population databases (gnomAD no frequency). This missense change has been observed in individual(s) with APC-related conditions (PMID: 25980754). ClinVar contains an entry for this variant (Variation ID: 482274). Invitae Evidence Modeling of protein sequence and biophysical properties (such as structural, functional, and spatial information, amino acid conservation, physicochemical variation, residue mobility, and thermodynamic stability) indicates that this missense variant is not expected to disrupt APC protein function with a negative predictive value of 95%. In summary, the available evidence is currently insufficient to determine the role of this variant in disease. Therefore, it has been classified as a Variant of Uncertain Significance.

Color Diagnostics, LLC DBA Color Health
Classification: Uncertain significance for Hereditary cancer-predisposing syndrome. Last evaluated: 2025-06-17. Review status: criteria provided, single submitter. Criteria: ACMG Guidelines, 2015. Collection method: clinical testing. Allele origin: germline.
Comment: This missense variant replaces lysine with arginine at codon 1363 of the APC protein. Computational prediction suggests that this variant may not impact protein structure and function. To our knowledge, functional studies have not been reported for this variant. This variant has been reported in an individual suspected of having Lynch Syndrome (PMID: 25980754) and in a control individual in a pancreatic cancer case-control study (PMID: 32980694). This variant has not been identified in the general population by the Genome Aggregation Database (gnomAD), but has been reported in healthy individuals (PMID: 30267214, 32980694). The available evidence is insufficient to determine the role of this variant in disease conclusively. Therefore, this variant is classified as a Variant of Uncertain Significance.

GeneDx
Classification: Uncertain significance. Last evaluated: 2025-03-24. Review status: criteria provided, single submitter. Criteria: GeneDx Variant Classification Process June 2021. Collection method: clinical testing. Allele origin: germline. Affected: yes.
Comment: Not observed at significant frequency in large population cohorts (gnomAD); In silico analysis indicates that this missense variant does not alter protein structure/function; This variant is associated with the following publications: (PMID: 30267214, 36243179, 18199528, 32980694, 25980754, 38136308)

Ambry Genetics
Classification: Likely benign for Hereditary cancer-predisposing syndrome. Last evaluated: 2025-02-28. Review status: criteria provided, single submitter. Criteria: Ambry Variant Classification Scheme 2023. Collection method: clinical testing. Allele origin: germline.

Clinical Genetics Laboratory, Skane University Hospital Lund
Classification: Uncertain significance. Last evaluated: 2024-02-08. Review status: criteria provided, single submitter. Criteria: ACMG Guidelines, 2015. Collection method: clinical testing. Allele origin: germline. Affected: yes.

All of Us Research Program, National Institutes of Health
Classification: Uncertain significance for Classic or attenuated familial adenomatous polyposis. Last evaluated: 2023-11-30. Review status: criteria provided, single submitter. Criteria: ACMG Guidelines, 2015. Collection method: clinical testing. Allele origin: germline. Inheritance: Autosomal dominant inheritance. Observed: 1 variant allele, 1 heterozygote.
Comment: This missense variant replaces lysine with arginine at codon 1363 of the APC protein. Computational prediction suggests that this variant may not impact protein structure and function (internally defined REVEL score threshold <= 0.5, PMID: 27666373). Splice site prediction tools suggest that this variant may not impact RNA splicing. To our knowledge, functional studies have not been reported for this variant. This variant has been reported in 1 individual with suspected Lynch Syndrome (PMID: 25980754). This variant has not been identified in the general population by the Genome Aggregation Database (gnomAD), but has been reported in healthy individuals (PMID: 30267214, 32980694). The available evidence is insufficient to determine the role of this variant in disease conclusively. Therefore, this variant is classified as a Variant of Uncertain Significance.

This study involves interpretation of variants in research participants for the purpose of population health screening. Participant phenotype was not available at the time of variant classification. Additional details can be found in publication PMID: 35346344, PMCID: PMC8962531

Baylor Genetics
Classification: Uncertain significance for Familial adenomatous polyposis 1. Last evaluated: 2023-05-23. Review status: criteria provided, single submitter. Criteria: ACMG Guidelines, 2015. Collection method: clinical testing. Allele origin: unknown.

Quest Diagnostics Nichols Institute San Juan Capistrano
Classification: Uncertain significance. Last evaluated: 2019-02-14. Review status: criteria provided, single submitter. Criteria: Quest Diagnostics criteria. Collection method: clinical testing. Allele origin: germline.

Women's Health and Genetics/Laboratory Corporation of America, LabCorp
Classification: Uncertain significance. Last evaluated: 2019-02-14. Review status: criteria provided, single submitter. Criteria: LabCorp Variant Classification Summary - May 2015. Collection method: clinical testing. Allele origin: germline.
Comment: Variant summary: APC c.4088A>G (p.Lys1363Arg) results in a conservative amino acid change in the encoded protein sequence. Three of five in-silico tools predict a damaging effect of the variant on protein function. The variant was absent in 245522 control chromosomes (gnomAD). The available data on variant occurrences in the general population are insufficient to allow any conclusion about variant significance. c.4088A>G has been reported in the literature in an individual with a history of Lynch syndrome-associated cancer and/or polyps (Yurgelun 2015). This report does not provide unequivocal conclusions about association of the variant with Familial Adenomatous Polyposis. To our knowledge, no experimental evidence demonstrating an impact on protein function has been reported. Two clinical diagnostic laboratories have submitted clinical-significance assessments for this variant to ClinVar after 2014 without evidence for independent evaluation, and both of them classified the variant as uncertain significance. Based on the evidence outlined above, the variant was classified as uncertain significance.

Literature cited by the submitters: PubMed 25980754 (cited by 5 submitters); PubMed 30267214 (cited by 3 submitters); PubMed 32980694 (cited by Color Diagnostics, LLC DBA Color Health and All of Us Research Program, National Institutes of Health).